The following is an entry in ClinVar:

NM_003647.3(DGKE):c.118_121dup (p.Ser41delinsMetTer)

Gene: DGKE (diacylglycerol kinase epsilon; plus strand). Cytogenetic location: 17q22.
Variant type: Duplication.
Coding change: c.118_121dup on transcript NM_003647.3 (MANE Select); coding-DNA positions 118 to 121, 4 bases duplicated (TGTA; older notation c.118_121dupTGTA).
Protein change: p.Ser41delinsMetTer.
Molecular consequence: nonsense.
Genome position (GRCh38, 1-based): chr17:56,834,913-56,834,916, TGTA duplicated. VCF-style (leftmost placement, unchanged base first): chr17-56834912-G-GTGTA. GRCh37 (hg19) VCF-style: chr17-54912273-G-GTGTA.
Identifiers: ClinVar variation 4280345 (VCV004280345.1).
Genomic context (GRCh38, chr17:56,834,912, plus strand): 5'-CGGGCACCTGATCTTGTGGACGCTGTGCTCGGTCCTGCTGCCGGTGTTCATCACCTTCTG[G>GTGTA]TGTAGCCTCCAGCGGTCGCGCCGGCAGCTGCACCGCAGGGACATCTTCCGCAAGAGCAAG-3'

ClinVar aggregate classification (germline): Pathogenic, low penetrance (1 of 4 stars; one submission).

Conditions:
Atypical hemolytic-uremic syndrome. Identifiers: Orphanet 2134, MedGen C2931788, MONDO:0016244.

Submission:

Genomenon, Inc
Classification: Pathogenic, low penetrance for Atypical hemolytic-uremic syndrome. Last evaluated: 2025-09-26. Review status: criteria provided, single submitter. Criteria: Genomenon Sequence Variant Interpretation Standards - Updated. Collection method: curation. Allele origin: germline. Affected: yes.
Comment: DGKE p.Ser41MetfsTer2 (c.118_121dup) is a frameshift variant that results in the production of a truncated protein which is predicted to undergo nonsense-mediated mRNA decay. This variant has been observed in at least one proband affected with atypical hemolytic-uremic syndrome (PMID:28056875). It is absent or not present at a significant frequency in gnomAD. In conclusion, we classify DGKE p.Ser41MetfsTer2 (c.118_121dup) as a pathogenic, low penetrance variant.

Literature cited by the submitters: PubMed 28056875.